The following is an entry in ClinVar:

ClinVar aggregate classification (germline): Conflicting classifications of pathogenicity. Review status: criteria provided, conflicting classifications (1 of 4 stars). 2 submissions from 2 submitters: Uncertain significance (1); Likely benign (1). Last evaluated 2023-06-16.

Conditions:
Microcephaly, normal intelligence and immunodeficiency (NBS). Also called: IMMUNODEFICIENCY, MICROCEPHALY, AND CHROMOSOMAL INSTABILITY; Ataxia telangiectasia variant V1; Immunodeficiency, microcephaly with normal intelligence; SEEMANOVA SYNDROME II; Nijmegen breakage syndrome; Microcephaly with normal intelligence immunodeficiency and lymphoreticular malignancies. Identifiers: Orphanet 647, MedGen C0398791, MONDO:0009623, OMIM 251260.

Submissions (2):

Labcorp Genetics (formerly Invitae), Labcorp
Classification: Likely benign for Microcephaly, normal intelligence and immunodeficiency. Last evaluated: 2023-06-16. Review status: criteria provided, single submitter. Criteria: Invitae Variant Classification Sherloc (09022015). Collection method: clinical testing. Allele origin: germline.

GeneDx
Classification: Uncertain significance. Last evaluated: 2019-07-03. Review status: criteria provided, single submitter. Criteria: GeneDx Variant Classification Process June 2021. Collection method: clinical testing. Allele origin: germline. Affected: yes.
Comment: Not observed in large population cohorts (Lek et al., 2016); In silico analysis, which includes splice predictors and evolutionary conservation, supports that this variant does not alter protein structure/function; Has not been previously published as pathogenic or benign to our knowledge

NM_002485.5(NBN):c.481-5T>C

Gene: NBN (nibrin; minus strand). Cytogenetic location: 8q21.3.
Variant type: single nucleotide variant.
Coding change: c.481-5T>C on transcript NM_002485.5 (MANE Select); 5 bases into the intron before coding-DNA position 481, T replaced by C.
Molecular consequence: intron variant.
Genome position (GRCh38, 1-based): chr8:89,978,328, A>G on the plus strand (T>C on the coding strand, the complement: NBN is on the minus strand). VCF-style: chr8-89978328-A-G. GRCh37 (hg19) VCF-style: chr8-90990556-A-G.
Other names: c.235-5T>C (NM_001024688.3).
Identifiers: ClinVar variation 1307005 (VCV001307005.9), dbSNP rs2129890359, ClinGen allele CA2573053061.